The following is an entry in ClinVar:

NM_173543.3(DZIP1L):c.256G>T (p.Val86Leu)

Gene: DZIP1L (DAZ interacting zinc finger protein 1 like; minus strand). Cytogenetic location: 3q22.3.
Variant type: single nucleotide variant.
Coding change: c.256G>T on transcript NM_173543.3 (MANE Select); coding-DNA position 256, G replaced by T.
Protein change: p.Val86Leu; replaces valine 86 with leucine.
Molecular consequence: missense variant.
Genome position (GRCh38, 1-based): chr3:138,103,716, C>A on the plus strand (G>T on the coding strand, the complement: DZIP1L is on the minus strand). VCF-style: chr3-138103716-C-A. GRCh37 (hg19) VCF-style: chr3-137822558-C-A.
Other names: c.256G>T, p.Val86Leu (NM_001170538.1); short protein forms V86L.
Identifiers: ClinVar variation 1313849 (VCV001313849.17), dbSNP rs142726001, ClinGen allele CA2635332.

ClinVar aggregate classification (germline): Conflicting classifications of pathogenicity. Review status: criteria provided, conflicting classifications (1 of 4 stars). 6 submissions from 6 submitters: Uncertain significance (4); Likely benign (2). Last evaluated 2025-12-01.

Conditions:
Polycystic kidney disease 5. Identifiers: MedGen C4539903, MONDO:0033281, OMIM 617610.
DZIP1L-related disorder. Also called: DZIP1L-related condition.

Allele frequency attached by ClinVar (database versions not stated): gnomAD 0.00044; gnomAD exomes 0.00050; ExAC 0.00053; ESP Exome Variant Server 0.00054; TOPMed 0.00055; 1000 Genomes Project 0.00060; 1000 Genomes Project 30x 0.00062.
gnomAD v4.1: 956 of 1,613,432 alleles (0.059%); highest among the groups gnomAD compares: Admixed American, 0.095%; 2 homozygotes.

Submissions (6):

CeGaT Center for Human Genetics Tuebingen
Classification: Likely benign. Last evaluated: 2025-12-01. Review status: criteria provided, single submitter. Criteria: CeGaT Center For Human Genetics Tuebingen Variant Classification Criteria Version 2. Collection method: clinical testing. Allele origin: germline. Affected: yes. Observed: 1 variant allele.
Comment: DZIP1L: BS2

PreventionGenetics, part of Exact Sciences
Classification: Uncertain significance for DZIP1L-related condition. Last evaluated: 2025-07-25. Review status: criteria provided, single submitter. Criteria: ACMG Guidelines, 2015. Collection method: clinical testing. Allele origin: germline.
Comment: The DZIP1L c.256G>T variant is predicted to result in the amino acid substitution p.Val86Leu. To our knowledge, this variant has not been reported in the literature. This variant is reported in 0.10% of alleles in individuals of Latino descent in gnomAD, which may be too frequent to be a primary cause of disease. At this time, the clinical significance of this variant is uncertain due to the absence of conclusive functional and genetic evidence.

Victorian Clinical Genetics Services, Murdoch Childrens Research Institute
Classification: Likely benign for Polycystic kidney disease 5. Last evaluated: 2025-01-14. Review status: criteria provided, single submitter. Criteria: ACMG Guidelines, 2015. Collection method: clinical testing. Allele origin: germline. Affected: yes.
Comment: This variant is classified as Likely benign. Evidence in support of benign classification: Population frequency for this variant is out of keeping with known incidence of Polycystic kidney disease 5 (MIM#617610); Missense variant consistently predicted to be tolerated by multiple in silico tools or not conserved in placental mammals with a minor amino acid change. Additional information: Variant is predicted to result in a missense amino acid change from valine to leucine; This gene is associated with autosomal recessive disease; Previous evidence of pathogenicity for this variant is inconclusive. This variant has been classified several times as a VUS (ClinVar); No published segregation evidence has been identified for this variant; No published functional evidence has been identified for this variant; No comparable missense variants have previous evidence for pathogenicity; Variant is located in the annotated Dzip-like_N domain (DECIPHER); Loss of function is a likely mechanism of disease in this gene and is associated with polycystic kidney disease 5 (MIM#617610).

Labcorp Genetics (formerly Invitae), Labcorp
Classification: Uncertain significance. Last evaluated: 2023-12-21. Review status: criteria provided, single submitter. Criteria: Invitae Variant Classification Sherloc (09022015). Collection method: clinical testing. Allele origin: germline.
Comment: This sequence change replaces valine, which is neutral and non-polar, with leucine, which is neutral and non-polar, at codon 86 of the DZIP1L protein (p.Val86Leu). This variant is present in population databases (rs142726001, gnomAD 0.1%), and has an allele count higher than expected for a pathogenic variant. This variant has not been reported in the literature in individuals affected with DZIP1L-related conditions. ClinVar contains an entry for this variant (Variation ID: 1313849). An algorithm developed to predict the effect of missense changes on protein structure and function (PolyPhen-2) suggests that this variant¬†is likely to be tolerated. In summary, the available evidence is currently insufficient to determine the role of this variant in disease. Therefore, it has been classified as a Variant of Uncertain Significance.

Fulgent Genetics
Classification: Uncertain significance for Polycystic kidney disease 5. Last evaluated: 2021-08-04. Review status: criteria provided, single submitter. Criteria: ACMG Guidelines, 2015. Collection method: clinical testing. Allele origin: unknown.

GeneDx
Classification: Uncertain significance. Last evaluated: 2021-01-06. Review status: criteria provided, single submitter. Criteria: GeneDx Variant Classification Process June 2021. Collection method: clinical testing. Allele origin: germline. Affected: yes.
Comment: In silico analysis supports that this missense variant does not alter protein structure/function; Has not been previously published as pathogenic or benign to our knowledge